The following is an entry in ClinVar:

ClinVar aggregate classification (germline): Pathogenic (1 of 4 stars; one submission).

Conditions:
Familial cancer of breast. Also called: Hereditary breast cancer; hereditary breast carcinoma; BREAST CANCER, FAMILIAL. Identifiers: Orphanet 227535, MedGen C0346153, MONDO:0016419, OMIM 114480. Disease mechanism: loss of function.

Submission:

Labcorp Genetics (formerly Invitae), Labcorp
Classification: Pathogenic for Familial cancer of breast. Last evaluated: 2025-12-05. Review status: criteria provided, single submitter. Criteria: Invitae Variant Classification Sherloc (09022015). Collection method: clinical testing. Allele origin: germline.
Comment: This sequence change creates a premature translational stop signal (p.Gln10*) in the CHEK2 gene. It is expected to result in an absent or disrupted protein product. Loss-of-function variants in CHEK2 are known to be pathogenic (PMID: 21876083, 24713400). Information on the frequency of this variant in the gnomAD database is not available, as this variant may be reported differently in the database. This premature translational stop signal has been observed in individual(s) with CHEK2-related conditions (PMID: 32805687, 35218119). For these reasons, this variant has been classified as Pathogenic.

Literature cited by the submitters: PubMed 21876083; PubMed 24713400; PubMed 32805687; PubMed 35218119.

NM_007194.4(CHEK2):c.27_28delinsGT (p.Gln10Ter)

Gene: CHEK2 (checkpoint kinase 2; minus strand). Cytogenetic location: 22q12.1.
Variant type: Indel.
Coding change: c.27_28delinsGT on transcript NM_007194.4 (MANE Select); coding-DNA positions 27 to 28, TC replaced by GT.
Protein change: p.Gln10Ter; replaces glutamine 10 with a stop codon.
Molecular consequence: nonsense. On other transcripts: 5 prime UTR variant (1), intron variant (1).
Genome position (GRCh38, 1-based): chr22:28,734,694-28,734,695, GA replaced by AC on the plus strand (TC replaced by GT on the coding strand, the reverse complement: CHEK2 is on the minus strand). VCF-style: chr22-28734694-GA-AC. GRCh37 (hg19) VCF-style: chr22-29130682-GA-AC.
Other names: c.27_28delinsGT, p.Gln10Ter (NM_001005735.3, NM_001349956.3, NM_001438293.1 and 3 more transcripts); c.-751_-750delinsGT (NM_001257387.3); c.-345+7074_-345+7075delinsGT (NM_001437942.1); short protein forms Q10*.
Identifiers: ClinVar variation 4731537 (VCV004731537.1).